The following is an entry in ClinVar:

ClinVar aggregate classification (germline): Uncertain significance (1 of 4 stars; one submission).

Submission:

GeneDx
Classification: Uncertain significance. Last evaluated: 2024-07-24. Review status: criteria provided, single submitter. Criteria: GeneDx Variant Classification Process June 2021. Collection method: clinical testing. Allele origin: germline. Affected: yes.
Comment: Not observed at significant frequency in large population cohorts (gnomAD); In silico analysis supports that this missense variant has a deleterious effect on protein structure/function; In silico analysis supports a deleterious effect on splicing; Has not been previously published as pathogenic or benign to our knowledge

NM_001356.5(DDX3X):c.1103A>G (p.Asp368Gly)

Gene: DDX3X (DEAD-box helicase 3 X-linked; plus strand). Cytogenetic location: Xp11.4.
Variant type: single nucleotide variant.
Coding change: c.1103A>G on transcript NM_001356.5 (MANE Select); coding-DNA position 1103, A replaced by G.
Protein change: p.Asp368Gly; replaces aspartic acid 368 with glycine.
Molecular consequence: missense variant. On other transcripts: non-coding transcript variant (1).
Genome position (GRCh38, 1-based): chrX:41,345,257, A>G. VCF-style: chrX-41345257-A-G. GRCh37 (hg19) VCF-style: chrX-41204510-A-G.
Other names: c.1103A>G, p.Asp368Gly (NM_001193416.3); c.1055A>G, p.Asp352Gly (NM_001193417.3); c.545A>G, p.Asp182Gly (NM_001363819.1); short protein forms D182G, D352G, D368G.
Identifiers: ClinVar variation 3600541 (VCV003600541.1).